The following is an entry in ClinVar:

ClinVar aggregate classification (germline): Uncertain significance. Review status: criteria provided, multiple submitters, no conflicts (2 of 4 stars). 2 submissions from 2 submitters: Uncertain significance (2). Last evaluated 2022-08-20.

Allele frequency attached by ClinVar (database versions not stated): gnomAD 0.00001; gnomAD exomes 0.00001; ExAC 0.00002; TOPMed 0.00003.
gnomAD v4.1: 19 of 1,614,046 alleles (0.0012%); highest among the groups gnomAD compares: Middle Eastern, 0.016%; no homozygotes.

Submissions (2):

Labcorp Genetics (formerly Invitae), Labcorp
Classification: Uncertain significance. Last evaluated: 2022-08-20. Review status: criteria provided, single submitter. Criteria: Invitae Variant Classification Sherloc (09022015). Collection method: clinical testing. Allele origin: germline.
Comment: This sequence change replaces valine, which is neutral and non-polar, with phenylalanine, which is neutral and non-polar, at codon 968 of the DISP1 protein (p.Val968Phe). This variant is present in population databases (rs574387803, gnomAD 0.007%). This variant has not been reported in the literature in individuals affected with DISP1-related conditions. Algorithms developed to predict the effect of missense changes on protein structure and function are either unavailable or do not agree on the potential impact of this missense change (SIFT: "Deleterious"; PolyPhen-2: "Possibly Damaging"; Align-GVGD: "Class C0"). In summary, the available evidence is currently insufficient to determine the role of this variant in disease. Therefore, it has been classified as a Variant of Uncertain Significance.

Ambry Genetics
Classification: Uncertain significance. Last evaluated: 2021-08-09. Review status: criteria provided, single submitter. Criteria: Ambry Variant Classification Scheme 2023. Collection method: clinical testing. Allele origin: germline.

NM_001377229.1(DISP1):c.2902G>T (p.Val968Phe)

Gene: DISP1 (dispatched RND transporter family member 1; plus strand). Cytogenetic location: 1q41.
Variant type: single nucleotide variant.
Coding change: c.2902G>T on transcript NM_001377229.1 (MANE Select); coding-DNA position 2902, G replaced by T.
Protein change: p.Val968Phe; replaces valine 968 with phenylalanine.
Molecular consequence: missense variant.
Genome position (GRCh38, 1-based): chr1:223,004,299, G>T. VCF-style: chr1-223004299-G-T. GRCh37 (hg19) VCF-style: chr1-223177641-G-T.
Other names: c.2173G>T, p.Val725Phe (NM_001350630.2); c.2902G>T, p.Val968Phe (NM_001369594.1, NM_001377228.1, NM_032890.5); short protein forms V968F, V725F.
Identifiers: ClinVar variation 1991107 (VCV001991107.5), dbSNP rs574387803, ClinGen allele CA1409307.